The following is an entry in ClinVar:

ClinVar aggregate classification (germline): Likely benign (1 of 4 stars; one submission).

gnomAD v4.1: 38 of 1,606,658 alleles (0.0024%); highest among the groups gnomAD compares: Middle Eastern, 0.016%; no homozygotes.

Submission:

CeGaT Center for Human Genetics Tuebingen
Classification: Likely benign. Last evaluated: 2026-05-01. Review status: criteria provided, single submitter. Criteria: CeGaT Center For Human Genetics Tuebingen Variant Classification Criteria Version 2. Collection method: clinical testing. Allele origin: germline. Affected: yes. Observed: 1 variant allele.
Comment: CHD5: BP4, BP7

NM_015557.3(CHD5):c.4302C>T (p.Asn1434=)

Gene: CHD5 (chromodomain helicase DNA binding protein 5; minus strand). Cytogenetic location: 1p36.31.
Variant type: single nucleotide variant.
Coding change: c.4302C>T on transcript NM_015557.3 (MANE Select); coding-DNA position 4302, C replaced by T.
Protein change: p.Asn1434=; no amino-acid change (asparagine 1434 retained).
Molecular consequence: synonymous variant.
Genome position (GRCh38, 1-based): chr1:6,125,192, G>A on the plus strand (C>T on the coding strand, the complement: CHD5 is on the minus strand). VCF-style: chr1-6125192-G-A. GRCh37 (hg19) VCF-style: chr1-6185252-G-A.
Identifiers: ClinVar variation 4875511 (VCV004875511.2).